The following is an entry in ClinVar:

NM_000038.6(APC):c.488A>G (p.Gln163Arg)

Gene: APC (APC regulator of Wnt signaling pathway; plus strand). Cytogenetic location: 5q22.2.
Variant type: single nucleotide variant.
Coding change: c.488A>G on transcript NM_000038.6 (MANE Select); coding-DNA position 488, A replaced by G.
Protein change: p.Gln163Arg; replaces glutamine 163 with arginine.
Molecular consequence: missense variant. On other transcripts: 5 prime UTR variant (1).
Genome position (GRCh38, 1-based): chr5:112,775,694, A>G. VCF-style: chr5-112775694-A-G. GRCh37 (hg19) VCF-style: chr5-112111391-A-G.
Other names: c.488A>G, p.Gln163Arg (NM_001127510.3, NM_001354895.2, NM_001354896.2 and 2 more transcripts); c.518A>G, p.Gln173Arg (NM_001127511.3, NM_001354897.2, NM_001354902.2); c.413A>G, p.Gln138Arg (NM_001354898.2, NM_001354904.2); c.311A>G, p.Gln104Arg (NM_001354900.2, NM_001354901.2, NM_001354905.2); c.-548A>G (NM_001354906.2); short protein forms Q163R, Q173R, Q104R, Q138R.
Identifiers: ClinVar variation 490288 (VCV000490288.8), dbSNP rs1554071584, ClinGen allele CA16022390.

ClinVar aggregate classification (germline): Uncertain significance. Review status: criteria provided, multiple submitters, no conflicts (2 of 4 stars). 3 submissions from 3 submitters: Uncertain significance (3). Last evaluated 2025-06-30.

Conditions:
Familial adenomatous polyposis 1 (FAP1). Also called: POLYPOSIS, ADENOMATOUS INTESTINAL; FAMILIAL ADENOMATOUS POLYPOSIS 1, ATTENUATED. Identifiers: MedGen C2713442, MONDO:0021056, OMIM 175100. Disease mechanism: loss of function.
Hereditary cancer-predisposing syndrome. Also called: Hereditary Cancer Syndrome; Neoplastic Syndromes, Hereditary; Tumor predisposition; Hereditary neoplastic syndrome. Identifiers: Orphanet 140162, MedGen C0027672, MeSH D009386, MONDO:0015356.

Submissions (3):

Color Diagnostics, LLC DBA Color Health
Classification: Uncertain significance for Hereditary cancer-predisposing syndrome. Last evaluated: 2025-06-30. Review status: criteria provided, single submitter. Criteria: ACMG Guidelines, 2015. Collection method: clinical testing. Allele origin: germline.
Comment: This missense variant replaces glutamine with arginine at codon 163 of the APC protein. Computational prediction is inconclusive regarding the impact of this variant on protein structure and function. To our knowledge, functional studies have not been reported for this variant. This variant has not been reported in individuals affected with APC-related disorders in the literature. This variant has not been identified in the general population by the Genome Aggregation Database (gnomAD). The available evidence is insufficient to determine the role of this variant in disease conclusively. Therefore, this variant is classified as a Variant of Uncertain Significance.

Labcorp Genetics (formerly Invitae), Labcorp
Classification: Uncertain significance for Familial adenomatous polyposis 1. Last evaluated: 2025-04-24. Review status: criteria provided, single submitter. Criteria: Invitae Variant Classification Sherloc (09022015). Collection method: clinical testing. Allele origin: germline.
Comment: This sequence change replaces glutamine, which is neutral and polar, with arginine, which is basic and polar, at codon 163 of the APC protein (p.Gln163Arg). This variant is not present in population databases (gnomAD no frequency). This variant has not been reported in the literature in individuals affected with APC-related conditions. ClinVar contains an entry for this variant (Variation ID: 490288). Invitae Evidence Modeling of protein sequence and biophysical properties (such as structural, functional, and spatial information, amino acid conservation, physicochemical variation, residue mobility, and thermodynamic stability) indicates that this missense variant is not expected to disrupt APC protein function with a negative predictive value of 95%. In summary, the available evidence is currently insufficient to determine the role of this variant in disease. Therefore, it has been classified as a Variant of Uncertain Significance.

Ambry Genetics
Classification: Uncertain significance for Hereditary cancer-predisposing syndrome. Last evaluated: 2025-01-28. Review status: criteria provided, single submitter. Criteria: Ambry Variant Classification Scheme 2023. Collection method: clinical testing. Allele origin: germline.
Comment: The p.Q163R variant (also known as c.488A>G), located in coding exon 4 of the APC gene, results from an A to G substitution at nucleotide position 488. The glutamine at codon 163 is replaced by arginine, an amino acid with highly similar properties. This amino acid position is conserved. In addition, in silico predictors for this gene do not accurately predict pathogenicity. Based on the available evidence, the clinical significance of this variant remains unclear.